The following is an entry in ClinVar:

ClinVar aggregate classification (germline): Conflicting classifications of pathogenicity. Review status: criteria provided, conflicting classifications (1 of 4 stars). 6 submissions from 6 submitters: Uncertain significance (5); Likely benign (1). Last evaluated 2026-08-14.

Conditions:
Myofibrillar myopathy 5. Also called: Filaminopathy (type); FILAMINOPATHY, AUTOSOMAL DOMINANT. Identifiers: Orphanet 171445, MedGen C1836050, MONDO:0012289, OMIM 609524.
Hypertrophic cardiomyopathy 26. Also called: Cardiomyopathy, familial hypertrophic, 26. Identifiers: Orphanet 75249, MedGen C4310749, MONDO:0014883, OMIM 617047.
Distal myopathy with posterior leg and anterior hand involvement. Also called: WILLIAMS DISTAL MYOPATHY. Identifiers: Orphanet 63273, MedGen C3279722, MONDO:0013550, OMIM 614065.
FLNC-related disorder. Also called: FLNC-related disorders; FLNC-related condition.
Cardiovascular phenotype. Identifiers: MedGen CN230736.

Allele frequency attached by ClinVar (database versions not stated): gnomAD 0.00001; TOPMed 0.00003; gnomAD exomes 0.00004; ExAC 0.00006; ESP Exome Variant Server 0.00008.
gnomAD v4.1: 53 of 1,612,278 alleles (0.0033%); highest among the groups gnomAD compares: Non-Finnish European, 0.0043%; no homozygotes.

Submissions (6):

PreventionGenetics, part of Exact Sciences
Classification: Uncertain significance for FLNC-related condition. Last evaluated: 2026-08-14. Review status: criteria provided, single submitter. Criteria: ACMG Guidelines, 2015. Collection method: clinical testing. Allele origin: germline.
Comment: The FLNC c.6659C>T variant is predicted to result in the amino acid substitution p.Ala2220Val. To our knowledge, this variant has not been reported in the literature. This variant is reported in 0.0063% of alleles in individuals of European (Non-Finnish) descent in gnomAD. At this time, the clinical significance of this variant is uncertain due to the absence of conclusive functional and genetic evidence.

Labcorp Genetics (formerly Invitae), Labcorp
Classification: Uncertain significance for Distal myopathy with posterior leg and anterior hand involvement; Myofibrillar myopathy 5; Hypertrophic cardiomyopathy 26. Last evaluated: 2025-10-13. Review status: criteria provided, single submitter. Criteria: Invitae Variant Classification Sherloc (09022015). Collection method: clinical testing. Allele origin: germline.
Comment: This sequence change replaces alanine, which is neutral and non-polar, with valine, which is neutral and non-polar, at codon 2220 of the FLNC protein (p.Ala2220Val). This variant is present in population databases (rs370839908, gnomAD 0.006%). This variant has not been reported in the literature in individuals affected with FLNC-related conditions. ClinVar contains an entry for this variant (Variation ID: 655659). An algorithm developed to predict the effect of missense changes on protein structure and function (PolyPhen-2) suggests that this variant is likely to be tolerated. In summary, the available evidence is currently insufficient to determine the role of this variant in disease. Therefore, it has been classified as a Variant of Uncertain Significance.

GeneDx
Classification: Uncertain significance. Last evaluated: 2025-08-12. Review status: criteria provided, single submitter. Criteria: GeneDx Variant Classification Process June 2021. Collection method: clinical testing. Allele origin: germline. Affected: yes.
Comment: Has not been previously published as pathogenic or benign to our knowledge; In silico analysis suggests that this missense variant does not alter protein structure/function

Ambry Genetics
Classification: Uncertain significance for Cardiovascular phenotype. Last evaluated: 2024-11-17. Review status: criteria provided, single submitter. Criteria: Ambry Variant Classification Scheme 2023. Collection method: clinical testing. Allele origin: germline.
Comment: The p.A2220V variant (also known as c.6659C>T), located in coding exon 40 of the FLNC gene, results from a C to T substitution at nucleotide position 6659. The alanine at codon 2220 is replaced by valine, an amino acid with similar properties. This amino acid position is conserved. In addition, this alteration is predicted to be tolerated by in silico analysis. Since supporting evidence is limited at this time, the clinical significance of this alteration remains unclear.

Revvity Omics, Revvity
Classification: Uncertain significance. Last evaluated: 2023-12-04. Review status: criteria provided, single submitter. Criteria: ACMG Guidelines, 2015. Collection method: clinical testing. Allele origin: germline.

Blueprint Genetics
Classification: Likely benign. Last evaluated: 2018-10-05. Review status: criteria provided, single submitter. Criteria: ACMG Guidelines, 2015. Collection method: clinical testing. Allele origin: germline.

NM_001458.5(FLNC):c.6659C>T (p.Ala2220Val)

Genes: FLNC (filamin C; plus strand), FLNC-AS1 (FLNC antisense RNA 1; minus strand). Cytogenetic location: 7q32.1.
Variant type: single nucleotide variant.
Coding change: c.6659C>T on transcript NM_001458.5 (MANE Select); coding-DNA position 6659, C replaced by T.
Protein change: p.Ala2220Val; replaces alanine 2220 with valine.
Molecular consequence: missense variant.
Genome position (GRCh38, 1-based): chr7:128,854,148, C>T. VCF-style: chr7-128854148-C-T. GRCh37 (hg19) VCF-style: chr7-128494202-C-T.
Other names: c.6560C>T, p.Ala2187Val (NM_001127487.2); short protein forms A2187V, A2220V.
Identifiers: ClinVar variation 655659 (VCV000655659.16), dbSNP rs370839908, ClinGen allele CA4476042.
Genomic context (GRCh38, chr7:128,854,148, plus strand): 5'-AGACAAAGCGCGAGGTGCGGGTGGAGGAGTCCACCCAGGTCGGCGGGGACCCCTTCCCTG[C>T]TGTGTTTGGGGACTTCCTGGGCCGGGAGCGCCTGGGATCCTTCGGCAGCATCACCCGGCA-3'
Protein context (NP_001449.3, residues 2210-2230): STQVGGDPFP[Ala2220Val]VFGDFLGRER